The following is an entry in ClinVar:

NM_001069.3(TUBB2A):c.970A>G (p.Lys324Glu)

Gene: TUBB2A (tubulin beta 2A class IIa; minus strand). Cytogenetic location: 6p25.2.
Variant type: single nucleotide variant.
Coding change: c.970A>G on transcript NM_001069.3 (MANE Select); coding-DNA position 970, A replaced by G.
Protein change: p.Lys324Glu; replaces lysine 324 with glutamic acid.
Molecular consequence: missense variant.
Genome position (GRCh38, 1-based): chr6:3,154,231, T>C on the plus strand (A>G on the coding strand, the complement: TUBB2A is on the minus strand). VCF-style: chr6-3154231-T-C. GRCh37 (hg19) VCF-style: chr6-3154465-T-C.
Other names: c.715A>G, p.Lys239Glu (NM_001310315.2); short protein forms K239E, K324E.
Identifiers: ClinVar variation 3654077 (VCV003654077.2).
Genomic context (GRCh38, chr6:3,154,231, plus strand): 5'-ACTCCACGAAGTAGCTGCTGTTCTTGTTCTGCACGTTGAGCATCTGCTCGTCCACCTCCT[T>C]CATGGACATGCGGCCCCGGAAGATGGCAGCCACCGTCAGGTAGCGGCCGTGGCGCGGGTC-3'
Protein context (NP_001060.1, residues 314-334): AAIFRGRMSM[Lys324Glu]EVDEQMLNVQ

ClinVar aggregate classification (germline): Uncertain significance (1 of 4 stars; one submission).

Submission:

Labcorp Genetics (formerly Invitae), Labcorp
Classification: Uncertain significance. Last evaluated: 2024-05-21. Review status: criteria provided, single submitter. Criteria: Invitae Variant Classification Sherloc (09022015). Collection method: clinical testing. Allele origin: germline.
Comment: This sequence change replaces lysine, which is basic and polar, with glutamic acid, which is acidic and polar, at codon 324 of the TUBB2A protein (p.Lys324Glu). This variant is not present in population databases (gnomAD no frequency). This variant has not been reported in the literature in individuals affected with TUBB2A-related conditions. Advanced modeling of protein sequence and biophysical properties (such as structural, functional, and spatial information, amino acid conservation, physicochemical variation, residue mobility, and thermodynamic stability) has been performed at Invitae for this missense variant, however the output from this modeling did not meet the statistical confidence thresholds required to predict the impact of this variant on TUBB2A protein function. In summary, the available evidence is currently insufficient to determine the role of this variant in disease. Therefore, it has been classified as a Variant of Uncertain Significance.